The following is an entry in ClinVar:

ClinVar aggregate classification (germline): Uncertain significance (1 of 4 stars; one submission).

Conditions:
Hereditary nonpolyposis colorectal neoplasms. Identifiers: MedGen C0009405, MeSH D003123.

Submission:

Labcorp Genetics (formerly Invitae), Labcorp
Classification: Uncertain significance for Hereditary nonpolyposis colorectal neoplasms. Last evaluated: 2025-06-18. Review status: criteria provided, single submitter. Criteria: Invitae Variant Classification Sherloc (09022015). Collection method: clinical testing. Allele origin: germline.
Comment: This sequence change replaces glycine, which is neutral and non-polar, with cysteine, which is neutral and slightly polar, at codon 1002 of the MSH6 protein (p.Gly1002Cys). This variant is not present in population databases (gnomAD no frequency). This variant has not been reported in the literature in individuals affected with MSH6-related conditions. Invitae Evidence Modeling of protein sequence and biophysical properties (such as structural, functional, and spatial information, amino acid conservation, physicochemical variation, residue mobility, and thermodynamic stability) has been performed for this missense variant. However, the output from this modeling did not meet the statistical confidence thresholds required to predict the impact of this variant on MSH6 protein function. In summary, the available evidence is currently insufficient to determine the role of this variant in disease. Therefore, it has been classified as a Variant of Uncertain Significance.

NM_000179.3(MSH6):c.3004G>T (p.Gly1002Cys)

Gene: MSH6 (mutS homolog 6; plus strand). Cytogenetic location: 2p16.3.
Variant type: single nucleotide variant.
Coding change: c.3004G>T on transcript NM_000179.3 (MANE Select); coding-DNA position 3004, G replaced by T.
Protein change: p.Gly1002Cys; replaces glycine 1002 with cysteine.
Molecular consequence: missense variant. On other transcripts: non-coding transcript variant (5), intron variant (2).
Genome position (GRCh38, 1-based): chr2:47,800,987, G>T. VCF-style: chr2-47800987-G-T. GRCh37 (hg19) VCF-style: chr2-48028126-G-T.
Other names: c.2614G>T, p.Gly872Cys (NM_001281492.2); c.2098G>T, p.Gly700Cys (NM_001281493.2, NM_001281494.2, NM_001406811.1 and 6 more transcripts); c.3100G>T, p.Gly1034Cys (NM_001406795.1, NM_001406802.1); c.3004G>T, p.Gly1002Cys (NM_001406796.1, NM_001406798.1, NM_001406800.1 and 2 more transcripts); c.2707G>T, p.Gly903Cys (NM_001406797.1, NM_001406801.1, NM_001406805.1 and 10 more transcripts); c.2479G>T, p.Gly827Cys (NM_001406799.1, NM_001406806.1, NM_001406807.1); c.2926G>T, p.Gly976Cys (NM_001406804.1); c.3010G>T, p.Gly1004Cys (NM_001406813.1); and 4 more; short protein forms G1002C, G1004C, G1034C, G317C, G700C, G827C, G872C, G903C.
Identifiers: ClinVar variation 4800222 (VCV004800222.1).